The following is an entry in ClinVar:

ClinVar aggregate classification (germline): Uncertain significance (1 of 4 stars; one submission).

Conditions:
Pityriasis rubra pilaris (PRP). Also called: Pityriasis rubra pilaris--familial type. Identifiers: Orphanet 2897, MedGen C0032027, MONDO:0100017, OMIM 173200, MONDO:0008251.
Psoriasis 2. Identifiers: MedGen C1864497, MONDO:0011269, OMIM 602723.

gnomAD v4.1: 1 of 1,594,898 alleles (0.000063%); highest among the groups gnomAD compares: Non-Finnish European, 0.000086%; no homozygotes.

Submission:

Labcorp Genetics (formerly Invitae), Labcorp
Classification: Uncertain significance for Pityriasis rubra pilaris; Psoriasis 2. Last evaluated: 2026-01-19. Review status: criteria provided, single submitter. Criteria: Invitae Variant Classification Sherloc (09022015). Collection method: clinical testing. Allele origin: germline.
Comment: This sequence change replaces leucine, which is neutral and non-polar, with methionine, which is neutral and non-polar, at codon 770 of the CARD14 protein (p.Leu770Met). This variant is not present in population databases (gnomAD no frequency). This variant has not been reported in the literature in individuals affected with CARD14-related conditions. Invitae Evidence Modeling of protein sequence and biophysical properties (such as structural, functional, and spatial information, amino acid conservation, physicochemical variation, residue mobility, and thermodynamic stability) indicates that this missense variant is not expected to disrupt CARD14 protein function with a negative predictive value of 95%. In summary, the available evidence is currently insufficient to determine the role of this variant in disease. Therefore, it has been classified as a Variant of Uncertain Significance.

NM_001366385.1(CARD14):c.2308C>A (p.Leu770Met)

Genes: SGSH (N-sulfoglucosamine sulfohydrolase; minus strand), CARD14 (caspase recruitment domain family member 14; plus strand). Cytogenetic location: 17q25.3.
Variant type: single nucleotide variant.
Coding change: c.2308C>A on transcript NM_001366385.1 (MANE Select); coding-DNA position 2308, C replaced by A.
Protein change: p.Leu770Met; replaces leucine 770 with methionine.
Molecular consequence: missense variant. On other transcripts: non-coding transcript variant (1).
Genome position (GRCh38, 1-based): chr17:80,204,251, C>A. VCF-style: chr17-80204251-C-A. GRCh37 (hg19) VCF-style: chr17-78178050-C-A.
Other names: c.2308C>A, p.Leu770Met (NM_024110.4); short protein forms L770M.
Identifiers: ClinVar variation 4791910 (VCV004791910.1).